The following is an entry in ClinVar:

NM_006648.4(WNK2):c.2815C>G (p.Pro939Ala)

Gene: WNK2 (WNK lysine deficient protein kinase 2; plus strand). Cytogenetic location: 9q22.31.
Variant type: single nucleotide variant.
Coding change: c.2815C>G on transcript NM_006648.4 (MANE Select); coding-DNA position 2815, C replaced by G.
Protein change: p.Pro939Ala; replaces proline 939 with alanine.
Molecular consequence: missense variant.
Genome position (GRCh38, 1-based): chr9:93,259,363, C>G. VCF-style: chr9-93259363-C-G. GRCh37 (hg19) VCF-style: chr9-96021645-C-G.
Other names: c.2815C>G, p.Pro939Ala (NM_001282394.3); short protein forms P939A.
Identifiers: ClinVar variation 3817127 (VCV003817127.1).

ClinVar aggregate classification (germline): Uncertain significance (1 of 4 stars; one submission).

gnomAD v4.1: 1 of 1,612,512 alleles (0.000062%); highest among the groups gnomAD compares: Non-Finnish European, 0.000085%; no homozygotes.

Submission:

Ambry Genetics
Classification: Uncertain significance. Last evaluated: 2025-02-22. Review status: criteria provided, single submitter. Criteria: Ambry Variant Classification Scheme 2023. Collection method: clinical testing. Allele origin: germline.
Comment: The p.P939A variant (also known as c.2815C>G), located in coding exon 11 of the WNK2 gene, results from a C to G substitution at nucleotide position 2815. The proline at codon 939 is replaced by alanine, an amino acid with highly similar properties. This amino acid position is conserved. In addition, this alteration is predicted to be tolerated by in silico analysis. Based on the available evidence, the clinical significance of this variant remains unclear.